The following is an entry in ClinVar:

NM_007294.4(BRCA1):c.1205dup (p.Ser403fs)

Gene: BRCA1 (BRCA1 DNA repair associated; minus strand). Cytogenetic location: 17q21.31.
Variant type: Duplication.
Coding change: c.1205dup on transcript NM_007294.4 (MANE Select); coding-DNA position 1205, one base duplicated (A; older notation c.1205dupA).
Protein change: p.Ser403fs; shifts the reading frame from serine 403.
Molecular consequence: frameshift variant. On other transcripts: intron variant (137).
Genome position (GRCh38, 1-based): chr17:43,094,326, T duplicated on the plus strand (A on the coding strand, the reverse complement: BRCA1 is on the minus strand). VCF-style (leftmost placement, unchanged base first): chr17-43094325-C-CT. GRCh37 (hg19) VCF-style: chr17-41246342-C-CT.
Other names: c.1205dupA (NM_007294.3); c.1064dup, p.Ser356fs (NM_001407724.1, NM_001407725.1, NM_001407726.1 and 29 more transcripts); c.1061dup, p.Ser355fs (NM_001407740.1, NM_001407741.1, NM_001407742.1 and 20 more transcripts); c.992dup, p.Ser332fs (NM_001407853.1, NM_001407894.1, NM_001407895.1 and 9 more transcripts); c.1205dup, p.Ser403fs (NM_001407854.1, NM_001407858.1, NM_001407859.1 and 30 more transcripts); c.1202dup, p.Ser402fs (NM_001407860.1, NM_001407861.1, NM_001407610.1 and 22 more transcripts); c.1004dup, p.Ser336fs (NM_001407862.1); c.1082dup, p.Ser362fs (NM_001407863.1, NM_001407919.1, NM_001407937.1 and 19 more transcripts); and 41 more; short protein forms S356fs, S403fs, S235fs, S275fs, S107fs, S276fs, S292fs, S333fs.
Identifiers: ClinVar variation 438910 (VCV000438910.7), dbSNP rs1555592219, ClinGen allele CA645509518.

ClinVar aggregate classification (germline): Pathogenic. Review status: reviewed by expert panel (3 of 4 stars). 3 submissions from 3 submitters: Pathogenic (1). 2 of the submissions do not count toward it. Last evaluated 2017-12-15.

Conditions:
Hereditary cancer-predisposing syndrome. Also called: Neoplastic Syndromes, Hereditary; Hereditary neoplastic syndrome; Tumor predisposition; Hereditary Cancer Syndrome. Identifiers: Orphanet 140162, MedGen C0027672, MeSH D009386, MONDO:0015356.
Breast-ovarian cancer, familial, susceptibility to, 1 (BROVCA1). Also called: BRCA1 Hereditary Breast and Ovarian Cancer; OVARIAN CANCER, SUSCEPTIBILITY TO. Identifiers: Orphanet 145, MedGen C2676676, MONDO:0011450, OMIM 604370. Disease mechanism: loss of function.

Submissions (3):

Evidence-based Network for the Interpretation of Germline Mutant Alleles (ENIGMA)
Classification: Pathogenic for Breast-ovarian cancer, familial, susceptibility to, 1. Last evaluated: 2017-12-15. Review status: reviewed by expert panel. Criteria: ENIGMA BRCA1/2 Classification Criteria (2017-06-29). Collection method: curation. Allele origin: germline. Study: ENIGMA.
Comment: Variant allele predicted to encode a truncated non-functional protein.

Quest Diagnostics Nichols Institute San Juan Capistrano
Classification: Pathogenic. Last evaluated: 2017-05-22. Review status: criteria provided, single submitter. Criteria: Quest Diagnostics criteria. Collection method: clinical testing. Allele origin: germline. Not counted in ClinVar's aggregate classification.

Ambry Genetics
Classification: Pathogenic for Hereditary cancer-predisposing syndrome. Last evaluated: 2016-08-22. Review status: criteria provided, single submitter. Criteria: Ambry Variant Classification Scheme 2023. Collection method: clinical testing. Allele origin: germline. Not counted in ClinVar's aggregate classification.
Comment: The c.1205dupA pathogenic mutation, located in coding exon 9 of the BRCA1 gene, results from a duplication of A at nucleotide position 1205, causing a translational frameshift with a predicted alternate stop codon. This alteration is expected to result in loss of function by premature protein truncation or nonsense-mediated mRNA decay. As such, this alteration is interpreted as a disease-causing mutation.